The following is an entry in ClinVar:

ClinVar aggregate classification (germline): Pathogenic (1 of 4 stars; one submission).

Conditions:
Kabuki syndrome. Also called: NIIKAWA-KUROKI SYNDROME; Kabuki make-up syndrome. Identifiers: Orphanet 2322, MedGen C0796004, MONDO:0016512.

Submission:

Labcorp Genetics (formerly Invitae), Labcorp
Classification: Pathogenic for Kabuki syndrome. Last evaluated: 2020-11-15. Review status: criteria provided, single submitter. Criteria: Invitae Variant Classification Sherloc (09022015). Collection method: clinical testing. Allele origin: germline.
Comment: This sequence change creates a premature translational stop signal (p.Asp1842Glufs*10) in the KMT2D gene. It is expected to result in an absent or disrupted protein product. Loss-of-function variants in KMT2D are known to be pathogenic (PMID: 22126750). This variant is not present in population databases (ExAC no frequency). This variant has not been reported in the literature in individuals with KMT2D-related conditions. For these reasons, this variant has been classified as Pathogenic.

Literature cited by the submitters: PubMed 22126750.

NM_003482.4(KMT2D):c.5526del (p.Asp1842fs)

Gene: KMT2D (lysine methyltransferase 2D; minus strand). Cytogenetic location: 12q13.12.
Variant type: Deletion.
Coding change: c.5526del on transcript NM_003482.4 (MANE Select); coding-DNA position 5526, one base deleted (T; older notation c.5526delT).
Protein change: p.Asp1842fs; shifts the reading frame from aspartic acid 1842.
Molecular consequence: frameshift variant.
Genome position (GRCh38, 1-based): chr12:49,043,370, A deleted on the plus strand (T on the coding strand, the reverse complement: KMT2D is on the minus strand). VCF-style (leftmost placement, unchanged base first): chr12-49043369-TA-T. GRCh37 (hg19) VCF-style: chr12-49437152-TA-T.
Other names: short protein forms D1842fs.
Identifiers: ClinVar variation 1428416 (VCV001428416.6), dbSNP rs2120567609, ClinGen allele CA2573148658.